The following is an entry in ClinVar:

ClinVar aggregate classification (germline): Pathogenic/Likely pathogenic. Review status: criteria provided, multiple submitters, no conflicts (2 of 4 stars). 4 submissions from 4 submitters: Pathogenic (2); Likely pathogenic (1). 1 of the submissions does not count toward it. Last evaluated 2024-11-07.

Conditions:
Mucopolysaccharidosis type 1. Also called: Mucopolysaccharidosis Type I; IDUA deficiency; MPS I. Identifiers: Orphanet 579, MedGen C0023786, MONDO:0001586.
Hurler syndrome. Also called: Gargoylism, Hurler Syndrome; MUCOPOLYSACCHARIDOSIS TYPE IH; Severe MPS I (Hurler Syndrome). Identifiers: Orphanet 93473, MedGen C0086795, MONDO:0011758, OMIM 607014.

Allele frequency attached by ClinVar (database versions not stated): gnomAD 0.00003 and 0.00004; gnomAD exomes 0.00001; TOPMed 0.00002; ExAC 0.00003.

Submissions (4):

Natera, Inc.
Classification: Likely pathogenic for Mucopolysaccharidosis type I. Last evaluated: 2024-11-07. Review status: criteria provided, single submitter. Criteria: Natera Variant Classification Schema (03/2026). Collection method: clinical testing. Allele origin: germline.
Comment: The c.793-1G>A variant in IDUA is a canonical splice acceptor site variant predicted to affect pre-mRNA splicing, which may result in an abnormal transcript and altered protein product. This variant is expected to result in nonsense mediated decay, truncation, or a dysfunctional protein product. This variant is rare in the general population with a frequency below the threshold expected for the associated phenotype(s). This variant has been observed in one or more individuals affected with the associated recessive disease, as either homozygous or compound heterozygous with a second variant (PMID: 33301762). Given the available evidence, this variant is classified as Likely Pathogenic.

Labcorp Genetics (formerly Invitae), Labcorp
Classification: Pathogenic for Mucopolysaccharidosis type 1. Last evaluated: 2023-12-18. Review status: criteria provided, single submitter. Criteria: Invitae Variant Classification Sherloc (09022015). Collection method: clinical testing. Allele origin: germline.
Comment: This sequence change affects an acceptor splice site in intron 6 of the IDUA gene. It is expected to disrupt RNA splicing. Variants that disrupt the donor or acceptor splice site typically lead to a loss of protein function (PMID: 16199547), and loss-of-function variants in IDUA are known to be pathogenic (PMID: 11735025, 21480867). The frequency data for this variant in the population databases is considered unreliable, as metrics indicate poor data quality at this position in the gnomAD database. Disruption of this splice site has been observed in individual(s) with mucopolysaccharidosis type I (Invitae). ClinVar contains an entry for this variant (Variation ID: 557472). Algorithms developed to predict the effect of sequence changes on RNA splicing suggest that this variant may disrupt the consensus splice site. For these reasons, this variant has been classified as Pathogenic.

Revvity Omics, Revvity
Classification: Pathogenic. Last evaluated: 2022-04-27. Review status: criteria provided, single submitter. Criteria: ACMG Guidelines, 2015. Collection method: clinical testing. Allele origin: germline.

Counsyl
Classification: Likely pathogenic for Hurler syndrome. Last evaluated: 2018-03-27. Review status: no assertion criteria provided. Collection method: clinical testing. Allele origin: unknown. Not counted in ClinVar's aggregate classification.

Literature cited by the submitters: PubMed 33301762 (cited by Natera, Inc.); PubMed 16199547 (cited by Labcorp Genetics (formerly Invitae), Labcorp); PubMed 11735025 (cited by Labcorp Genetics (formerly Invitae), Labcorp); PubMed 21480867 (cited by Labcorp Genetics (formerly Invitae), Labcorp).

NM_000203.5(IDUA):c.793-1G>A

Gene: IDUA (alpha-L-iduronidase; plus strand). Cytogenetic location: 4p16.3.
Variant type: single nucleotide variant.
Coding change: c.793-1G>A on transcript NM_000203.5 (MANE Select); the canonical splice acceptor site of the intron before coding-DNA position 793, G replaced by A.
Molecular consequence: splice acceptor variant.
Genome position (GRCh38, 1-based): chr4:1,001,981, G>A. VCF-style: chr4-1001981-G-A. GRCh37 (hg19) VCF-style: chr4-995769-G-A.
Other names: c.397-1G>A (NM_001363576.1).
Identifiers: ClinVar variation 557472 (VCV000557472.20), dbSNP rs762779421, ClinGen allele CA2802097.